The following is an entry in ClinVar:

ClinVar aggregate classification (germline): Likely benign (0 of 4 stars; one submission).

Conditions:
ATM-related disorder. Also called: ATM-related disorders; ATM-related condition.

gnomAD v4.1: 3 of 152,212 alleles (0.002%); highest among the groups gnomAD compares: Non-Finnish European, 0.0044%; no homozygotes.

Submission:

PreventionGenetics, part of Exact Sciences
Classification: Likely benign for ATM-related condition. Last evaluated: 2022-05-20. Review status: no assertion criteria provided. Collection method: clinical testing. Allele origin: germline.
Comment: This variant is classified as likely benign based on ACMG/AMP sequence variant interpretation guidelines (Richards et al. 2015 PMID: 25741868, with internal and published modifications).

NM_000051.4(ATM):c.2639-377T>G

Gene: ATM (ATM serine/threonine kinase; plus strand). Cytogenetic location: 11q22.3.
Variant type: single nucleotide variant.
Coding change: c.2639-377T>G on transcript NM_000051.4 (MANE Select); 377 bases into the intron before coding-DNA position 2639, T replaced by G.
Molecular consequence: intron variant.
Genome position (GRCh38, 1-based): chr11:108,268,033, T>G. VCF-style: chr11-108268033-T-G. GRCh37 (hg19) VCF-style: chr11-108138760-T-G.
Other names: c.2639-377T>G (NM_001351834.2).
Identifiers: ClinVar variation 3353686 (VCV003353686.1).